The following is an entry in ClinVar:

ClinVar aggregate classification (germline): Conflicting classifications of pathogenicity. Review status: criteria provided, conflicting classifications (1 of 4 stars). 2 submissions from 2 submitters: Likely pathogenic (1); Uncertain significance (1). Last evaluated 2025-01-11.

Conditions:
Hypertrophic cardiomyopathy. Also called: HYPERTROPHIC MYOCARDIOPATHY. Identifiers: Orphanet 217569, MedGen C0007194, MeSH D002312, MONDO:0005045, HP:0001639.

Submissions (2):

Labcorp Genetics (formerly Invitae), Labcorp
Classification: Uncertain significance for Hypertrophic cardiomyopathy. Last evaluated: 2025-01-11. Review status: criteria provided, single submitter. Criteria: Invitae Variant Classification Sherloc (09022015). Collection method: clinical testing. Allele origin: germline.
Comment: This sequence change replaces glutamic acid, which is acidic and polar, with lysine, which is basic and polar, at codon 929 of the MYH7 protein (p.Glu929Lys). This variant is not present in population databases (gnomAD no frequency). This missense change has been observed in individual(s) with MYH7-related conditions (PMID: 24691700, 27532257, 33673806, 35626289). ClinVar contains an entry for this variant (Variation ID: 180438). Invitae Evidence Modeling of protein sequence and biophysical properties (such as structural, functional, and spatial information, amino acid conservation, physicochemical variation, residue mobility, and thermodynamic stability) indicates that this missense variant is expected to disrupt MYH7 protein function with a positive predictive value of 95%. This variant is found within a region of MYH7 between codons 181 and 937 that contains the majority of the myosin head domain. Missense variants in this region have been shown to be significantly overrepresented in individuals with hypertrophic cardiomyopathy (PMID: 27532257). In summary, the available evidence is currently insufficient to determine the role of this variant in disease. Therefore, it has been classified as a Variant of Uncertain Significance.

GeneDx
Classification: Likely pathogenic. Last evaluated: 2020-04-10. Review status: criteria provided, single submitter. Criteria: GeneDx Variant Classification Process June 2021. Collection method: clinical testing. Allele origin: germline. Affected: yes.
Comment: Observed in a patient with HCM and a patient with LVNC in the published literature (Tian et al., 2015; Walsh et al., 2017); Not observed in large population cohorts (Lek et al., 2016); Reported in ClinVar as a likely pathogenic variant (ClinVar Variant ID# 180438; Landrum et al., 2016); In silico analysis supports that this missense variant has a deleterious effect on protein structure/function; This variant is associated with the following publications: (PMID: 27066506, 27532257, 30371277, 24691700, 33673806)

Literature cited by the submitters: PubMed 24691700 (cited by Labcorp Genetics (formerly Invitae), Labcorp); PubMed 27532257 (cited by Labcorp Genetics (formerly Invitae), Labcorp); PubMed 33673806 (cited by Labcorp Genetics (formerly Invitae), Labcorp); PubMed 35626289 (cited by Labcorp Genetics (formerly Invitae), Labcorp).

NM_000257.4(MYH7):c.2785G>A (p.Glu929Lys)

Gene: MYH7 (myosin heavy chain 7; minus strand). Cytogenetic location: 14q11.2.
Variant type: single nucleotide variant.
Coding change: c.2785G>A on transcript NM_000257.4 (MANE Select); coding-DNA position 2785, G replaced by A.
Protein change: p.Glu929Lys; replaces glutamic acid 929 with lysine.
Molecular consequence: missense variant.
Genome position (GRCh38, 1-based): chr14:23,424,044, C>T on the plus strand (G>A on the coding strand, the complement: MYH7 is on the minus strand). VCF-style: chr14-23424044-C-T. GRCh37 (hg19) VCF-style: chr14-23893253-C-T.
Other names: c.2785G>A (LRG_384t1); short protein forms E929K.
Identifiers: ClinVar variation 180438 (VCV000180438.11), dbSNP rs730880161, ClinGen allele CA013070.
Genomic context (GRCh38, chr14:23,424,044, plus strand): 5'-CTGAGCACTCATCTTCCAGCTTGCGCTTCTTGGCAGTGAGCTCAGCATTCATCTCCTCCT[C>T]ATCCTCCAGCCTCTCGTTCATCTCCTTCACCTTGGCCTCCAGCTGAATCTTGTTTTTGAT-3'
Protein context (NP_000248.2, residues 919-939): VKEMNERLED[Glu929Lys]EEMNAELTAK